The following is an entry in ClinVar:

NM_025074.7(FRAS1):c.4188C>A (p.His1396Gln)

Gene: FRAS1 (Fraser extracellular matrix complex subunit 1; plus strand). Cytogenetic location: 4q21.21.
Variant type: single nucleotide variant.
Coding change: c.4188C>A on transcript NM_025074.7 (MANE Select); coding-DNA position 4188, C replaced by A.
Protein change: p.His1396Gln; replaces histidine 1396 with glutamine.
Molecular consequence: missense variant.
Genome position (GRCh38, 1-based): chr4:78,407,721, C>A. VCF-style: chr4-78407721-C-A. GRCh37 (hg19) VCF-style: chr4-79328875-C-A.
Other names: c.4188C>A, p.His1396Gln (NM_001166133.2); short protein forms H1396Q.
Identifiers: ClinVar variation 1305341 (VCV001305341.4), dbSNP rs1684797906, ClinGen allele CA357378015.

ClinVar aggregate classification (germline): Uncertain significance. Review status: criteria provided, multiple submitters, no conflicts (2 of 4 stars). 3 submissions from 3 submitters: Uncertain significance (2). 1 of the submissions does not count toward it. Last evaluated 2024-01-14.

Conditions:
FRAS1-related disorder. Also called: FRAS1-related condition.
Fraser syndrome 1 (FRASRS1). Also called: CRYPTOPHTHALMOS WITH OTHER MALFORMATIONS. Identifiers: Orphanet 2052, MedGen C4551480, MONDO:0054737, OMIM 219000.

Allele frequency attached by ClinVar (database versions not stated): TOPMed below 0.00001; gnomAD 0.00001.
gnomAD v4.1: 3 of 1,613,628 alleles (0.00019%); highest among the groups gnomAD compares: Non-Finnish European, 0.00017%; no homozygotes.

Submissions (3):

Fulgent Genetics
Classification: Uncertain significance for Fraser syndrome 1. Last evaluated: 2024-01-14. Review status: criteria provided, single submitter. Criteria: ACMG Guidelines, 2015. Collection method: clinical testing. Allele origin: germline.

GeneDx
Classification: Uncertain significance. Last evaluated: 2019-04-19. Review status: criteria provided, single submitter. Criteria: GeneDx Variant Classification Process June 2021. Collection method: clinical testing. Allele origin: germline. Affected: yes.
Comment: Not observed in large population cohorts (Lek et al., 2016); In silico analysis, which includes protein predictors and evolutionary conservation, supports a deleterious effect; Has not been previously published as pathogenic or benign to our knowledge

PreventionGenetics, part of Exact Sciences
Classification: Uncertain significance for FRAS1-related condition. Last evaluated: 2024-07-24. Review status: no assertion criteria provided. Collection method: clinical testing. Allele origin: germline. Not counted in ClinVar's aggregate classification.
Comment: The FRAS1 c.4188C>A variant is predicted to result in the amino acid substitution p.His1396Gln. To our knowledge, this variant has not been reported in the literature or in a large population database, indicating this variant is rare. At this time, the clinical significance of this variant is uncertain due to the absence of conclusive functional and genetic evidence.